The following is an entry in ClinVar:

ClinVar aggregate classification (germline): Uncertain significance. Review status: criteria provided, multiple submitters, no conflicts (2 of 4 stars). 2 submissions from 2 submitters: Uncertain significance (2). Last evaluated 2025-07-13.

Conditions:
Hereditary hemorrhagic telangiectasia (HHT). Also called: ORW DISEASE; Osler Weber Rendu syndrome; OSLER-RENDU-WEBER DISEASE; Osler hemorrhagic telangiectasia syndrome. Identifiers: Orphanet 774, MedGen C0039445, MONDO:0019180. Disease mechanism: loss of function.

Submissions (2):

Labcorp Genetics (formerly Invitae), Labcorp
Classification: Uncertain significance for Hereditary hemorrhagic telangiectasia. Last evaluated: 2025-07-13. Review status: criteria provided, single submitter. Criteria: Invitae Variant Classification Sherloc (09022015). Collection method: clinical testing. Allele origin: germline.
Comment: This sequence change replaces threonine, which is neutral and polar, with isoleucine, which is neutral and non-polar, at codon 388 of the ENG protein (p.Thr388Ile). This variant is not present in population databases (gnomAD no frequency). This missense change has been observed in individual(s) with hereditary hemorrhagic telangiectasia (internal data). Invitae Evidence Modeling of protein sequence and biophysical properties (such as structural, functional, and spatial information, amino acid conservation, physicochemical variation, residue mobility, and thermodynamic stability) indicates that this missense variant is expected to disrupt ENG protein function with a positive predictive value of 80%. In summary, the available evidence is currently insufficient to determine the role of this variant in disease. Therefore, it has been classified as a Variant of Uncertain Significance.

GeneDx
Classification: Uncertain significance. Last evaluated: 2025-04-02. Review status: criteria provided, single submitter. Criteria: GeneDx Variant Classification Process June 2021. Collection method: clinical testing. Allele origin: germline. Affected: yes.
Comment: Has not been previously published as pathogenic or benign to our knowledge; Not observed at significant frequency in large population cohorts (gnomAD); In silico analysis supports that this missense variant has a deleterious effect on protein structure/function

NM_001114753.3(ENG):c.1163C>T (p.Thr388Ile)

Genes: ENG (endoglin; minus strand), LOC102723566 (uncharacterized LOC102723566; plus strand). Cytogenetic location: 9q34.11.
Variant type: single nucleotide variant.
Coding change: c.1163C>T on transcript NM_001114753.3 (MANE Select); coding-DNA position 1163, C replaced by T.
Protein change: p.Thr388Ile; replaces threonine 388 with isoleucine.
Molecular consequence: missense variant.
Genome position (GRCh38, 1-based): chr9:127,820,009, G>A on the plus strand (C>T on the coding strand, the complement: ENG is on the minus strand). VCF-style: chr9-127820009-G-A. GRCh37 (hg19) VCF-style: chr9-130582288-G-A.
Other names: c.1163C>T, p.Thr388Ile (NM_000118.4); c.617C>T, p.Thr206Ile (NM_001278138.2); short protein forms T206I, T388I.
Identifiers: ClinVar variation 4278603 (VCV004278603.2).